The following is an entry in ClinVar:

NM_000426.4(LAMA2):c.910-3T>G

Gene: LAMA2 (laminin subunit alpha 2; plus strand). Cytogenetic location: 6q22.33.
Variant type: single nucleotide variant.
Coding change: c.910-3T>G on transcript NM_000426.4 (MANE Select); 3 bases into the intron before coding-DNA position 910, T replaced by G.
Molecular consequence: intron variant.
Genome position (GRCh38, 1-based): chr6:129,148,976, T>G. VCF-style: chr6-129148976-T-G. GRCh37 (hg19) VCF-style: chr6-129470121-T-G.
Other names: c.910-3T>G (NM_001079823.2).
Identifiers: ClinVar variation 2041390 (VCV002041390.4), dbSNP rs2482605184, ClinGen allele CA2580074909.

ClinVar aggregate classification (germline): Uncertain significance (1 of 4 stars; one submission).

Conditions:
LAMA2-related muscular dystrophy (LAMA2-RD). Also called: Laminin alpha 2-related dystrophy. Identifiers: MedGen C5679788, MONDO:0100228.

Submission:

Labcorp Genetics (formerly Invitae), Labcorp
Classification: Uncertain significance for LAMA2-related muscular dystrophy. Last evaluated: 2022-06-28. Review status: criteria provided, single submitter. Criteria: Invitae Variant Classification Sherloc (09022015). Collection method: clinical testing. Allele origin: germline.
Comment: This sequence change falls in intron 6 of the LAMA2 gene. It does not directly change the encoded amino acid sequence of the LAMA2 protein. It affects a nucleotide within the consensus splice site. This variant is not present in population databases (gnomAD no frequency). This variant has not been reported in the literature in individuals affected with LAMA2-related conditions. Variants that disrupt the consensus splice site are a relatively common cause of aberrant splicing (PMID: 17576681, 9536098). Algorithms developed to predict the effect of sequence changes on RNA splicing suggest that this variant may disrupt the consensus splice site. In summary, the available evidence is currently insufficient to determine the role of this variant in disease. Therefore, it has been classified as a Variant of Uncertain Significance.

Literature cited by the submitters: PubMed 17576681; PubMed 9536098.